The following is an entry in ClinVar:

ClinVar aggregate classification (germline): Uncertain significance. Review status: criteria provided, multiple submitters, no conflicts (2 of 4 stars). 2 submissions from 2 submitters: Uncertain significance (2). Last evaluated 2026-03-22.

Conditions:
Hereditary cancer-predisposing syndrome. Also called: Hereditary Cancer Syndrome; Neoplastic Syndromes, Hereditary; Hereditary neoplastic syndrome; Tumor predisposition. Identifiers: Orphanet 140162, MedGen C0027672, MeSH D009386, MONDO:0015356.
Familial adenomatous polyposis 1 (FAP1). Also called: FAMILIAL ADENOMATOUS POLYPOSIS 1, ATTENUATED; POLYPOSIS, ADENOMATOUS INTESTINAL. Identifiers: MedGen C2713442, MONDO:0021056, OMIM 175100. Disease mechanism: loss of function.

Submissions (2):

Ambry Genetics
Classification: Uncertain significance for Hereditary cancer-predisposing syndrome. Last evaluated: 2026-03-22. Review status: criteria provided, single submitter. Criteria: Ambry Variant Classification Scheme 2023. Collection method: clinical testing. Allele origin: germline.
Comment: The p.V1834F variant (also known as c.5500G>T), located in coding exon 15 of the APC gene, results from a G to T substitution at nucleotide position 5500. The valine at codon 1834 is replaced by phenylalanine, an amino acid with highly similar properties. This amino acid position is conserved. In addition, in silico predictors for this gene do not accurately predict pathogenicity. Based on the available evidence, the clinical significance of this variant remains unclear.

Labcorp Genetics (formerly Invitae), Labcorp
Classification: Uncertain significance for Familial adenomatous polyposis 1. Last evaluated: 2022-09-25. Review status: criteria provided, single submitter. Criteria: Invitae Variant Classification Sherloc (09022015). Collection method: clinical testing. Allele origin: germline.
Comment: In summary, the available evidence is currently insufficient to determine the role of this variant in disease. Therefore, it has been classified as a Variant of Uncertain Significance. This sequence change replaces valine, which is neutral and non-polar, with phenylalanine, which is neutral and non-polar, at codon 1834 of the APC protein (p.Val1834Phe). This variant is not present in population databases (gnomAD no frequency). This variant has not been reported in the literature in individuals affected with APC-related conditions. Advanced modeling of protein sequence and biophysical properties (such as structural, functional, and spatial information, amino acid conservation, physicochemical variation, residue mobility, and thermodynamic stability) performed at Invitae indicates that this missense variant is not expected to disrupt APC protein function.

NM_000038.6(APC):c.5500G>T (p.Val1834Phe)

Gene: APC (APC regulator of Wnt signaling pathway; plus strand). Cytogenetic location: 5q22.2.
Variant type: single nucleotide variant.
Coding change: c.5500G>T on transcript NM_000038.6 (MANE Select); coding-DNA position 5500, G replaced by T.
Protein change: p.Val1834Phe; replaces valine 1834 with phenylalanine.
Molecular consequence: missense variant.
Genome position (GRCh38, 1-based): chr5:112,841,094, G>T. VCF-style: chr5-112841094-G-T. GRCh37 (hg19) VCF-style: chr5-112176791-G-T.
Other names: c.5500G>T, p.Val1834Phe (NM_001127510.3, NM_001354895.2, NM_001407450.1); c.5446G>T, p.Val1816Phe (NM_001127511.3); c.5554G>T, p.Val1852Phe (NM_001354896.2, NM_001407447.1, NM_001407448.1 and 1 more transcripts); c.5530G>T, p.Val1844Phe (NM_001354897.2); c.5425G>T, p.Val1809Phe (NM_001354898.2); c.5416G>T, p.Val1806Phe (NM_001354899.2); c.5377G>T, p.Val1793Phe (NM_001354900.2); c.5323G>T, p.Val1775Phe (NM_001354901.2, NM_001407453.1); and 12 more; short protein forms V1450F, V1551F, V1674F, V1705F, V1708F, V1733F, V1743F, V1751F.
Identifiers: ClinVar variation 1720339 (VCV001720339.7), dbSNP rs555944438, ClinGen allele CA16033367.